The following is an entry in ClinVar:

ClinVar aggregate classification (germline): Uncertain significance (1 of 4 stars; one submission).

Conditions:
Vici syndrome (VICIS). Identifiers: Orphanet 1493, MedGen C1855772, MONDO:0009452, OMIM 242840.

Allele frequency attached by ClinVar (database versions not stated): gnomAD exomes below 0.00001.
gnomAD v4.1: 1 of 1,614,212 alleles (0.000062%); highest among the groups gnomAD compares: East Asian, 0.0022%; no homozygotes.

Submission:

Labcorp Genetics (formerly Invitae), Labcorp
Classification: Uncertain significance for Vici syndrome. Last evaluated: 2022-09-06. Review status: criteria provided, single submitter. Criteria: Invitae Variant Classification Sherloc (09022015). Collection method: clinical testing. Allele origin: germline.
Comment: This sequence change replaces alanine, which is neutral and non-polar, with serine, which is neutral and polar, at codon 2285 of the EPG5 protein (p.Ala2285Ser). This variant is not present in population databases (gnomAD no frequency). This variant has not been reported in the literature in individuals affected with EPG5-related conditions. Algorithms developed to predict the effect of missense changes on protein structure and function are either unavailable or do not agree on the potential impact of this missense change (SIFT: "Tolerated"; PolyPhen-2: "Probably Damaging"; Align-GVGD: "Class C0"). In summary, the available evidence is currently insufficient to determine the role of this variant in disease. Therefore, it has been classified as a Variant of Uncertain Significance.

NM_020964.3(EPG5):c.6853G>T (p.Ala2285Ser)

Gene: EPG5 (ectopic P-granules 5 autophagy tethering factor; minus strand). Cytogenetic location: 18q12.3.
Variant type: single nucleotide variant.
Coding change: c.6853G>T on transcript NM_020964.3 (MANE Select); coding-DNA position 6853, G replaced by T.
Protein change: p.Ala2285Ser; replaces alanine 2285 with serine.
Molecular consequence: missense variant.
Genome position (GRCh38, 1-based): chr18:45,860,260, C>A on the plus strand (G>T on the coding strand, the complement: EPG5 is on the minus strand). VCF-style: chr18-45860260-C-A. GRCh37 (hg19) VCF-style: chr18-43440225-C-A.
Other names: c.6853G>T, p.Ala2285Ser (NM_001410858.1); c.6850G>T, p.Ala2284Ser (NM_001410859.1); short protein forms A2285S, A2284S.
Identifiers: ClinVar variation 1914546 (VCV001914546.2), dbSNP rs2048606315, ClinGen allele CA402337570.